The following is an entry in ClinVar:

ClinVar aggregate classification (germline): Uncertain significance (1 of 4 stars; one submission).

Submission:

Labcorp Genetics (formerly Invitae), Labcorp
Classification: Uncertain significance. Last evaluated: 2025-05-03. Review status: criteria provided, single submitter. Criteria: Invitae Variant Classification Sherloc (09022015). Collection method: clinical testing. Allele origin: germline.
Comment: This variant, c.1269_1274dup, results in the insertion of 2 amino acid(s) of the PHEX protein (p.Asp424_Val425dup), but otherwise preserves the integrity of the reading frame. This variant is not present in population databases (gnomAD no frequency). This variant has not been reported in the literature in individuals affected with PHEX-related conditions. Experimental studies and prediction algorithms are not available or were not evaluated, and the functional significance of this variant is currently unknown. In summary, the available evidence is currently insufficient to determine the role of this variant in disease. Therefore, it has been classified as a Variant of Uncertain Significance.

NM_000444.6(PHEX):c.1269_1274dup (p.Val425_Tyr426insAspVal)

Gene: PHEX (phosphate regulating endopeptidase X-linked; plus strand). Cytogenetic location: Xp22.11.
Variant type: Duplication.
Coding change: c.1269_1274dup on transcript NM_000444.6 (MANE Select); coding-DNA positions 1269 to 1274, 6 bases duplicated (AGATGT; older notation c.1269_1274dupAGATGT).
Protein change: p.Val425_Tyr426insAspVal.
Molecular consequence: inframe insertion.
Genome position (GRCh38, 1-based): chrX:22,114,553-22,114,558, AGATGT duplicated; duplicating any 6 consecutive bases within chrX:22,114,550-22,114,558 gives the same sequence; the c. name uses the placement nearest the transcript's 3' end. VCF-style (leftmost placement, unchanged base first): chrX-22114549-T-TTGTAGA. GRCh37 (hg19) VCF-style: chrX-22132667-T-TTGTAGA.
Other names: c.1269_1274dup, p.Val425_Tyr426insAspVal (NM_001282754.2).
Identifiers: ClinVar variation 4718508 (VCV004718508.1).
Genomic context (GRCh38, chrX:22,114,549, plus strand): 5'-AATGGGACAAATGTGTAAACTTTATTGAAAGTGCCCTCCCTTATGTTGTTGGAAAGATGT[T>TTGTAGA]TGTAGATGTGTACTTCCAGGAAGATAAGAAGGAAATGGTAAGTGGTACTCCCCAGCTAGC-3'